The following is an entry in ClinVar:

NM_000257.4(MYH7):c.1063G>A (p.Ala355Thr)

Gene: MYH7 (myosin heavy chain 7; minus strand). Cytogenetic location: 14q11.2.
Variant type: single nucleotide variant.
Coding change: c.1063G>A on transcript NM_000257.4 (MANE Select); coding-DNA position 1063, G replaced by A.
Protein change: p.Ala355Thr; replaces alanine 355 with threonine.
Molecular consequence: missense variant.
Genome position (GRCh38, 1-based): chr14:23,429,850, C>T on the plus strand (G>A on the coding strand, the complement: MYH7 is on the minus strand). VCF-style: chr14-23429850-C-T. GRCh37 (hg19) VCF-style: chr14-23899059-C-T.
Other names: short protein forms A355T.
Identifiers: ClinVar variation 42820 (VCV000042820.53), dbSNP rs397516088, ClinGen allele CA010133.
Genomic context (GRCh38, chr14:23,429,850, plus strand): 5'-GCTCCGCCTGCTCCTCCCGCTGCTTCAGCTTGAACTTCATGTTTCCAAAGTGCATGATGG[C>T]GCCTGTCAGCTTATACATGGAGTTTTTCTCCTCTGAAGTGAAGCCCAGCACATCAAAAGC-3'
Protein context (NP_000248.2, residues 345-365): EKNSMYKLTG[Ala355Thr]IMHFGNMKFK

ClinVar aggregate classification (germline): Pathogenic/Likely pathogenic. Review status: criteria provided, multiple submitters, no conflicts (2 of 4 stars). 23 submissions from 23 submitters: Pathogenic (12); Likely pathogenic (7). 4 of the submissions do not count toward it. Last evaluated 2026-09-30.

Conditions:
MYH7-related disorder. Also called: MYH7-related disorders; MYH7-related condition; MYH7-related disease.
Myosin storage myopathy (CMYO7A). Also called: MYH7-related late-onset scapuloperoneal muscular dystrophy; Congenital myopathy 7A, myosin storage, autosomal dominant; MYOPATHY WITH LYSIS OF TYPE I MYOFIBRILS; MYOPATHY, HYALINE BODY, AUTOSOMAL DOMINANT; Scapuloperoneal myopathy, MYH7-related; SCAPULOPERONEAL MUSCULAR DYSTROPHY. Identifiers: Orphanet 437572, Orphanet 636965, MedGen C1842160, MONDO:0008409, OMIM 608358.
Cardiovascular phenotype. Identifiers: MedGen CN230736.
Cardiomyopathy (CMYO). Also called: Cardiomyopathies. Identifiers: Orphanet 167848, MedGen C0878544, MONDO:0004994, HP:0001638. Inheritance: Various modes of inheritance.
Hypertrophic cardiomyopathy 1 (CMH1). Also called: Familial hypertrophic cardiomyopathy 1; MYH7-Related Familial Hypertrophic Cardiomyopathy. Identifiers: MedGen C3495498, MONDO:0008647, OMIM 192600.
Primary familial hypertrophic cardiomyopathy (HCM). Identifiers: Orphanet 99739, MedGen C0949658, MeSH D024741, MONDO:0024573. Inheritance: Various modes of inheritance.
Hypertrophic cardiomyopathy. Also called: HYPERTROPHIC MYOCARDIOPATHY. Identifiers: Orphanet 217569, MedGen C0007194, MeSH D002312, MONDO:0005045, HP:0001639.

gnomAD v4.1: 7 of 1,614,004 alleles (0.00043%); highest among the groups gnomAD compares: Admixed American, 0.0017%; no homozygotes.

Submissions 1 to 13 of 23:

GeneDx
Classification: Likely pathogenic. Last evaluated: 2026-09-30. Review status: criteria provided, single submitter. Criteria: GeneDx Variant Classification Process June 2021. Collection method: clinical testing. Allele origin: germline.
Comment: Observed in multiple unrelated patients from different ethnic backgrounds with hypertrophic cardiomyopathy referred for genetic testing at GeneDx and in published literature (PMID: 20031618, 12707239, 21835320, 30022097, 31308319, 33302605, 36252119, 35838873); Not observed at significant frequency in large population cohorts (gnomAD); In silico analysis supports that this missense variant has a deleterious effect on protein structure/function; This variant is associated with the following publications: (PMID: 27247418, 21835320, 27532257, 24704860, 24793961, 18761664, 27066507, 25351510, 20031618, 23396983, 23283745, 30022097, 31308319, 33636496, 33302605, 30847666, 32894683, 12707239, 34542152, 31568572, 31722741, 30297972, 35626289, 35653365, 36252119, 36243179, 35838873, 36264615, 37652022, 35130036, 29300372, 36578016, 39033325, 34714385, 38296631)

Labcorp Genetics (formerly Invitae), Labcorp
Classification: Pathogenic for Hypertrophic cardiomyopathy. Last evaluated: 2026-01-27. Review status: criteria provided, single submitter. Criteria: Invitae Variant Classification Sherloc (09022015). Collection method: clinical testing. Allele origin: germline.
Comment: This sequence change replaces alanine, which is neutral and non-polar, with threonine, which is neutral and polar, at codon 355 of the MYH7 protein (p.Ala355Thr). This variant is not present in population databases (gnomAD no frequency). This missense change has been observed in individuals with autosomal dominant hypertrophic cardiomyopathy (PMID: 12707239, 18761664, 20031618, 21835320, 23283745, 24704860, 27247418). It has also been observed to segregate with disease in related individuals. ClinVar contains an entry for this variant (Variation ID: 42820). Invitae Evidence Modeling of protein sequence and biophysical properties (such as structural, functional, and spatial information, amino acid conservation, physicochemical variation, residue mobility, and thermodynamic stability) indicates that this missense variant is expected to disrupt MYH7 protein function with a positive predictive value of 95%. For these reasons, this variant has been classified as Pathogenic.

Variantyx, Inc.
Classification: Likely pathogenic for Hypertrophic cardiomyopathy 1. Last evaluated: 2026-01-09. Review status: criteria provided, single submitter. Criteria: Variantyx Assertion Criteria 2022. Collection method: clinical testing. Allele origin: germline. Inheritance: Autosomal dominant inheritance. Affected: yes.
Comment: This is a nonsynonymous variant in the MYH7 gene (OMIM: 160760). Pathogenic variants in this gene have been associated with autosomal dominant hypertrophic cardiomyopathy 1. The frequency of this variant in affected individuals is significantly increased compared to controls (PMID: 27532257) (PS4). This variant lies within a known hotspot for pathogenic variants or a well-established critical functional domain of the MYH7 protein (PMID: 30696458) (PM1) and multiple computational algorithms predict a deleterious effect for this variant (REVEL score: 0.918) (PP3). This variant has a 0.0017% maximum allele frequency in non-founder control populations (PM2). Based on the current evidence, this variant is classified as likely pathogenic for autosomal dominant hypertrophic cardiomyopathy 1.T

Ambry Genetics
Classification: Pathogenic for Cardiovascular phenotype. Last evaluated: 2025-01-15. Review status: criteria provided, single submitter. Criteria: Ambry Variant Classification Scheme 2023. Collection method: clinical testing. Allele origin: germline.
Comment: The p.A355T pathogenic mutation (also known as c.1063G>A), located in coding exon 10 of the MYH7 gene, results from a G to A substitution at nucleotide position 1063. The alanine at codon 355 is replaced by threonine, an amino acid with similar properties. This alteration is located in the myosin head domain, which contains a statistically significant clustering of pathogenic missense variants (Homburger JR et al. Proc Natl Acad Sci U S A, 2016 06;113:6701-6; Walsh R et al. Genet Med, 2017 02;19:192-203; Ambry internal data). This variant was identified in one or more individuals with features consistent with hypertrophic cardiomyopathy and segregated with disease in at least one family (Richard P et al. Circulation. 2003;107(17):2227-32; Kaski JP et al. Circ Cardiovasc Genet. 2009;2(5):436-41; Olivotto I et al. J Am Coll Cardiol. 2011;58(8):839-48; Zou Y et al. Mol Biol Rep. 2013;40(6):3969-76; Bos JM et al. Mayo Clin Proc. 2014;89(6):727-37; Walsh R et al. Genet Med. 2017;19(2):192-203; Mak TSH et al. Sci Rep. 2018;8(1):10846; Fernlund E et al. Genes (Basel), 2020 12;11). This variant is considered to be rare based on population cohorts in the Genome Aggregation Database (gnomAD). This amino acid position is highly conserved in available vertebrate species. In addition, this alteration is predicted to be deleterious by in silico analysis. Based on the supporting evidence, this alteration is interpreted as a disease-causing mutation.

Genomic Medicine Center of Excellence, King Faisal Specialist Hospital and Research Centre
Classification: Pathogenic for Myosin storage myopathy. Last evaluated: 2024-12-19. Review status: criteria provided, single submitter. Criteria: ACMG Guidelines, 2015. Collection method: clinical testing. Allele origin: germline.

Blueprint Genetics
Classification: Pathogenic for MYH7-related disorders. Last evaluated: 2024-09-18. Review status: criteria provided, single submitter. Criteria: ACMG Guidelines, 2015. Collection method: clinical testing. Allele origin: germline. Affected: yes. Observed: 5 variant alleles.

Institute of Immunology and Genetics Kaiserslautern
Classification: Pathogenic for Hypertrophic cardiomyopathy 1. Last evaluated: 2024-06-12. Review status: criteria provided, single submitter. Criteria: ACMG Guidelines, 2015. Collection method: clinical testing. Allele origin: germline. Affected: yes.
Comment: ACMG Criteria: PS4, PM1, PM2_P, PP1, PP3, PP5; Variant was found in heterozygous state.

Department of Human Genetics, Hannover Medical School
Classification: Likely pathogenic for Hypertrophic cardiomyopathy 1. Last evaluated: 2023-12-12. Review status: criteria provided, single submitter. Criteria: ACMG Guidelines, 2015. Collection method: clinical testing. Allele origin: germline. Affected: yes.

Clinical Genetics Laboratory, Skane University Hospital Lund
Classification: Pathogenic. Last evaluated: 2023-05-02. Review status: criteria provided, single submitter. Criteria: ACMG Guidelines, 2015. Collection method: clinical testing. Allele origin: germline. Affected: yes.

Laboratory of Medical Genetics, National & Kapodistrian University of Athens
Classification: Pathogenic for Hypertrophic cardiomyopathy 1. Last evaluated: 2023-04-12. Review status: criteria provided, single submitter. Criteria: ACMG Guidelines, 2015. Collection method: clinical testing. Allele origin: germline. Affected: yes.
Comment: PS4, PM1, PM2, PP3, PP5

Molecular Diagnostic Laboratory for Inherited Cardiovascular Disease, Montreal Heart Institute
Classification: Pathogenic for Cardiovascular phenotype. Last evaluated: 2022-12-08. Review status: criteria provided, single submitter. Criteria: ACMG Guidelines, 2015. Collection method: clinical testing. Allele origin: germline. Affected: yes.

Mayo Clinic Laboratories, Mayo Clinic
Classification: Likely pathogenic. Last evaluated: 2022-06-07. Review status: criteria provided, single submitter. Criteria: ACMG Guidelines, 2015. Collection method: clinical testing. Allele origin: germline. Observed: 4 variant alleles.
Comment: PP3, PM1, PM2, PS4

CHEO Genetics Diagnostic Laboratory, Children's Hospital of Eastern Ontario
Classification: Likely pathogenic for Cardiomyopathy. Last evaluated: 2021-06-18. Review status: criteria provided, single submitter. Criteria: ACMG Guidelines, 2015. Collection method: clinical testing. Allele origin: germline. Study: Canadian Open Genetics Repository.